The following is an entry in ClinVar:

NM_000310.4(PPT1):c.798+3A>G

Gene: PPT1 (palmitoyl-protein thioesterase 1; minus strand). Cytogenetic location: 1p34.2.
Variant type: single nucleotide variant.
Coding change: c.798+3A>G on transcript NM_000310.4 (MANE Select); 3 bases into the intron after coding-DNA position 798, A replaced by G.
Molecular consequence: intron variant.
Genome position (GRCh38, 1-based): chr1:40,076,839, T>C on the plus strand (A>G on the coding strand, the complement: PPT1 is on the minus strand). VCF-style: chr1-40076839-T-C. GRCh37 (hg19) VCF-style: chr1-40542511-T-C.
Other names: c.489+3A>G (NM_001142604.2); c.726+1721A>G (NM_001363695.2).
Identifiers: ClinVar variation 1391014 (VCV001391014.5), dbSNP rs1454468517, ClinGen allele CA522417725.
Genomic context (GRCh38, chr1:40,076,839, plus strand): 5'-CAGCTTCAGGAACTGGGAGCTGAAAAAACACCAACCTCCCAAGATAGACTCCCTGCCAGT[T>C]ACCTGTGTGTACAGGGAGGTCTCCTGTAAGGGAATGGTTTCCTTGGCTTGGCCACTTCTG-3'

ClinVar aggregate classification (germline): Uncertain significance (1 of 4 stars; one submission).

Conditions:
Neuronal ceroid lipofuscinosis 1 (CLN1). Also called: CEROID LIPOFUSCINOSIS, NEURONAL, 1, VARIABLE AGE AT ONSET; PPT1-Related Neuronal Ceroid-Lipofuscinosis. Identifiers: Orphanet 228329, MedGen C1850451, MONDO:0009744, OMIM 256730.

Allele frequency attached by ClinVar (database versions not stated): gnomAD exomes below 0.00001; TOPMed below 0.00001; gnomAD 0.00001.
gnomAD v4.1: 6 of 1,614,018 alleles (0.00037%); highest among the groups gnomAD compares: Non-Finnish European, 0.00051%; no homozygotes.

Submission:

Labcorp Genetics (formerly Invitae), Labcorp
Classification: Uncertain significance for Neuronal ceroid lipofuscinosis 1. Last evaluated: 2023-08-04. Review status: criteria provided, single submitter. Criteria: Invitae Variant Classification Sherloc (09022015). Collection method: clinical testing. Allele origin: germline.
Comment: In summary, the available evidence is currently insufficient to determine the role of this variant in disease. Therefore, it has been classified as a Variant of Uncertain Significance. Variants that disrupt the consensus splice site are a relatively common cause of aberrant splicing (PMID: 17576681, 9536098). Algorithms developed to predict the effect of sequence changes on RNA splicing suggest that this variant is not likely to affect RNA splicing. ClinVar contains an entry for this variant (Variation ID: 1391014). This variant has not been reported in the literature in individuals affected with PPT1-related conditions. This variant is present in population databases (no rsID available, gnomAD 0.0009%). This sequence change falls in intron 8 of the PPT1 gene. It does not directly change the encoded amino acid sequence of the PPT1 protein. It affects a nucleotide within the consensus splice site.

Literature cited by the submitters: PubMed 17576681; PubMed 9536098.